The following is an entry in ClinVar:

ClinVar aggregate classification (germline): Pathogenic. Review status: criteria provided, multiple submitters, no conflicts (2 of 4 stars). 2 submissions from 2 submitters: Pathogenic (2). Last evaluated 2026-01-05.

Conditions:
Hereditary breast ovarian cancer syndrome. Also called: Hereditary breast and/or ovarian cancer syndrome; Breast and ovarian cancer; Hereditary breast and ovarian cancer; Hereditary breast and ovarian cancer syndrome (HBOC); Hereditary breast and ovarian cancer syndrome; BRCA1- and BRCA2-Associated Hereditary Breast and Ovarian Cancer. Identifiers: Orphanet 145, MedGen C0677776, MeSH D061325, MONDO:0003582. Disease mechanism: loss of function.
Hereditary cancer-predisposing syndrome. Also called: Neoplastic Syndromes, Hereditary; Hereditary neoplastic syndrome; Tumor predisposition; Hereditary Cancer Syndrome. Identifiers: Orphanet 140162, MedGen C0027672, MeSH D009386, MONDO:0015356.

Submissions (2):

Ambry Genetics
Classification: Pathogenic for Hereditary cancer-predisposing syndrome. Last evaluated: 2026-01-05. Review status: criteria provided, single submitter. Criteria: Ambry Variant Classification Scheme 2023. Collection method: clinical testing. Allele origin: germline.
Comment: The c.4782delA pathogenic mutation, located in coding exon 14 of the BRCA1 gene, results from a deletion of one nucleotide at nucleotide position 4782, causing a translational frameshift with a predicted alternate stop codon (p.S1595Lfs*6). This variant is considered to be rare based on population cohorts in the Genome Aggregation Database (gnomAD). This alteration is expected to result in loss of function by premature protein truncation or nonsense-mediated mRNA decay. As such, this alteration is interpreted as a disease-causing mutation.

Labcorp Genetics (formerly Invitae), Labcorp
Classification: Pathogenic for Hereditary breast ovarian cancer syndrome. Last evaluated: 2019-02-24. Review status: criteria provided, single submitter. Criteria: Invitae Variant Classification Sherloc (09022015). Collection method: clinical testing. Allele origin: germline.
Comment: For these reasons, this variant has been classified as Pathogenic. Loss-of-function variants in BRCA1 are known to be pathogenic (PMID: 20104584). This variant has not been reported in the literature in individuals with BRCA1-related conditions. This variant is not present in population databases (ExAC no frequency). This sequence change creates a premature translational stop signal (p.Ser1595Leufs*6) in the BRCA1 gene. It is expected to result in an absent or disrupted protein product.

Literature cited by the submitters: PubMed 20104584 (cited by Labcorp Genetics (formerly Invitae), Labcorp).

NM_007294.4(BRCA1):c.4782del (p.Ser1595fs)

Gene: BRCA1 (BRCA1 DNA repair associated; minus strand). Cytogenetic location: 17q21.31.
Variant type: Deletion.
Coding change: c.4782del on transcript NM_007294.4 (MANE Select); coding-DNA position 4782, one base deleted (A; older notation c.4782delA).
Protein change: p.Ser1595fs; shifts the reading frame from serine 1595.
Molecular consequence: frameshift variant. On other transcripts: non-coding transcript variant (1).
Genome position (GRCh38, 1-based): chr17:43,071,132, T deleted on the plus strand (A on the coding strand, the reverse complement: BRCA1 is on the minus strand). VCF-style (leftmost placement, unchanged base first): chr17-43071131-AT-A. GRCh37 (hg19) VCF-style: chr17-41223148-AT-A.
Other names: c.4779delA, p.Ser1594Leufs (NM_001407612.1, NM_001407613.1, NM_001407614.1 and 17 more transcripts); c.4776delA, p.Ser1593Leufs (NM_001407627.1, NM_001407628.1, NM_001407629.1 and 14 more transcripts); c.4773delA, p.Ser1592Leufs (NM_001407644.1, NM_001407645.1); c.4770delA, p.Ser1591Leufs (NM_001407646.1); c.4767delA, p.Ser1590Leufs (NM_001407647.1); c.4725delA, p.Ser1576Leufs (NM_001407648.1); c.4722delA, p.Ser1575Leufs (NM_001407649.1); c.4782delA, p.Ser1595Leufs (NM_001407652.1, NM_001407684.1, NM_001407854.1 and 9 more transcripts); and 73 more; short protein forms S491fs, S1548fs, S1595fs, S1616fs.
Identifiers: ClinVar variation 645242 (VCV000645242.12), dbSNP rs1597831440, ClinGen allele CA915950108.